The following is an entry in ClinVar:

ClinVar aggregate classification (germline): Uncertain significance (1 of 4 stars; one submission).

Conditions:
Agammaglobulinemia 6, autosomal recessive (AGM6). Also called: AGAMMAGLOBULINEMIA, AUTOSOMAL RECESSIVE, DUE TO CD79B DEFECT; AGAMMAGLOBULINEMIA 6. Identifiers: MedGen C3150207, MONDO:0012987, OMIM 612692.

Allele frequency attached by ClinVar (database versions not stated): gnomAD 0.00001; gnomAD exomes 0.00001 and 0.00002; ExAC 0.00002; ESP Exome Variant Server 0.00008.
gnomAD v4.1: 18 of 1,614,030 alleles (0.0011%); highest among the groups gnomAD compares: Non-Finnish European, 0.0014%; no homozygotes.

Submission:

Labcorp Genetics (formerly Invitae), Labcorp
Classification: Uncertain significance for Agammaglobulinemia 6, autosomal recessive. Last evaluated: 2021-11-11. Review status: criteria provided, single submitter. Criteria: Invitae Variant Classification Sherloc (09022015). Collection method: clinical testing. Allele origin: germline.
Comment: This sequence change replaces asparagine, which is neutral and polar, with aspartic acid, which is acidic and polar, at codon 127 of the CD79B protein (p.Asn127Asp). This variant is present in population databases (rs370893971, gnomAD 0.004%). This variant has not been reported in the literature in individuals affected with CD79B-related conditions. Algorithms developed to predict the effect of missense changes on protein structure and function output the following: SIFT: "Not Available"; PolyPhen-2: "Benign"; Align-GVGD: "Not Available". The aspartic acid amino acid residue is found in multiple mammalian species, which suggests that this missense change does not adversely affect protein function. In summary, the available evidence is currently insufficient to determine the role of this variant in disease. Therefore, it has been classified as a Variant of Uncertain Significance.

NM_000626.4(CD79B):c.379A>G (p.Asn127Asp)

Genes: CD79B (CD79b molecule; minus strand), GH-LCR (growth hormone locus control region; plus strand). Cytogenetic location: 17q23.3.
Variant type: single nucleotide variant.
Coding change: c.379A>G on transcript NM_000626.4 (MANE Select); coding-DNA position 379, A replaced by G.
Protein change: p.Asn127Asp; replaces asparagine 127 with aspartic acid.
Molecular consequence: missense variant. On other transcripts: intron variant (2).
Genome position (GRCh38, 1-based): chr17:63,930,125, T>C on the plus strand (A>G on the coding strand, the complement: CD79B is on the minus strand). VCF-style: chr17-63930125-T-C. GRCh37 (hg19) VCF-style: chr17-62007485-T-C.
Other names: c.382A>G, p.Asn128Asp (NM_001039933.3); c.119-237A>G (NM_021602.4); c.122-237A>G (NM_001329050.2); short protein forms N127D, N128D.
Identifiers: ClinVar variation 1430567 (VCV001430567.3), dbSNP rs370893971, ClinGen allele CA8708575.